The following is an entry in ClinVar:

ClinVar aggregate classification (germline): Pathogenic (1 of 4 stars; one submission).

Conditions:
Ataxia-telangiectasia syndrome (AT). Also called: Ataxia telangiectasia (A-T); Cerebello-oculocutaneous telangiectasia; Immunodeficiency with ataxia telangiectasia; AT, COMPLEMENTATION GROUP C; ATAXIA-TELANGIECTASIA, COMPLEMENTATION GROUP A; ATAXIA-TELANGIECTASIA, FRESNO VARIANT. Identifiers: Orphanet 100, MedGen C0004135, MONDO:0008840, OMIM 208900.

Submission:

Labcorp Genetics (formerly Invitae), Labcorp
Classification: Pathogenic for Ataxia-telangiectasia syndrome. Last evaluated: 2019-01-14. Review status: criteria provided, single submitter. Criteria: Invitae Variant Classification Sherloc (09022015). Collection method: clinical testing. Allele origin: germline.
Comment: For these reasons, this variant has been classified as Pathogenic. Loss-of-function variants in ATM are known to be pathogenic (PMID: 23807571, 25614872). This variant has not been reported in the literature in individuals with ATM-related conditions. This variant is not present in population databases (ExAC no frequency). This sequence change creates a premature translational stop signal (p.Gln1653Hisfs*13) in the ATM gene. It is expected to result in an absent or disrupted protein product.

Literature cited by the submitters: PubMed 23807571; PubMed 25614872.

NM_000051.4(ATM):c.4958_4959insTAAC (p.Gln1653fs)

Gene: ATM (ATM serine/threonine kinase; plus strand). Cytogenetic location: 11q22.3.
Variant type: Insertion.
Coding change: c.4958_4959insTAAC on transcript NM_000051.4 (MANE Select); coding-DNA positions 4958 to 4959, TAAC inserted.
Protein change: p.Gln1653fs; shifts the reading frame from glutamine 1653.
Molecular consequence: frameshift variant.
Genome position: GRCh38 VCF-style: chr11-108297335-A-ATAAC. GRCh37 (hg19) VCF-style: chr11-108168062-A-ATAAC.
Other names: c.4958_4959insTAAC, p.Gln1653fs (NM_001351834.2); short protein forms Q1653fs.
Identifiers: ClinVar variation 861740 (VCV000861740.7), dbSNP rs2083178407, ClinGen allele CA916080487.